The following is an entry in ClinVar:

NM_004525.3(LRP2):c.8352G>A (p.Thr2784=)

Gene: LRP2 (LDL receptor related protein 2; minus strand). Cytogenetic location: 2q31.1.
Variant type: single nucleotide variant.
Coding change: c.8352G>A on transcript NM_004525.3 (MANE Select); coding-DNA position 8352, G replaced by A.
Protein change: p.Thr2784=; no amino-acid change (threonine 2784 retained).
Molecular consequence: synonymous variant.
Genome position (GRCh38, 1-based): chr2:169,201,728, C>T on the plus strand (G>A on the coding strand, the complement: LRP2 is on the minus strand). VCF-style: chr2-169201728-C-T. GRCh37 (hg19) VCF-style: chr2-170058238-C-T.
Identifiers: ClinVar variation 1046181 (VCV001046181.30), dbSNP rs200194530, ClinGen allele CA1953883.
Genomic context (GRCh38, chr2:169,201,728, plus strand): 5'-GTCTACACCATTGCAGATAAACTCACGAGGTATGCACCTTCTGTTATTGCACATAAACTC[C>T]GTGGTGGCATTGCAGTCCCTGAACAGGCACCCTGCCTCATCACTGCCATCACCACAGTCA-3'
Protein context (NP_004516.2, residues 2774-2794): GCLFRDCNAT[Thr2784=]EFMCNNRRCI

ClinVar aggregate classification (germline): Conflicting classifications of pathogenicity. Review status: criteria provided, conflicting classifications (1 of 4 stars). 3 submissions from 3 submitters: Uncertain significance (1); Likely benign (2). Last evaluated 2025-04-17.

Conditions:
Donnai-Barrow syndrome. Also called: DBS/FOAR SYNDROME; FACIOOCULOACOUSTICORENAL SYNDROME. Identifiers: Orphanet 2143, MedGen C1857277, MONDO:0009104, OMIM 222448.

Allele frequency attached by ClinVar (database versions not stated): TOPMed 0.00002.
gnomAD v4.1: 88 of 1,614,026 alleles (0.0055%); highest among the groups gnomAD compares: Non-Finnish European, 0.0069%; no homozygotes.

Submissions (3):

Labcorp Genetics (formerly Invitae), Labcorp
Classification: Likely benign. Last evaluated: 2025-04-17. Review status: criteria provided, single submitter. Criteria: Invitae Variant Classification Sherloc (09022015). Collection method: clinical testing. Allele origin: germline.

CeGaT Center for Human Genetics Tuebingen
Classification: Likely benign. Last evaluated: 2024-04-01. Review status: criteria provided, single submitter. Criteria: CeGaT Center For Human Genetics Tuebingen Variant Classification Criteria Version 2. Collection method: clinical testing. Allele origin: germline. Affected: yes. Observed: 1 variant allele.
Comment: LRP2: BP4, BP7

Fulgent Genetics
Classification: Uncertain significance for Donnai-Barrow syndrome. Last evaluated: 2022-05-25. Review status: criteria provided, single submitter. Criteria: ACMG Guidelines, 2015. Collection method: clinical testing. Allele origin: unknown.